The following is an entry in ClinVar:

NM_001386140.1(MTTP):c.909+1del

Gene: MTTP (microsomal triglyceride transfer protein; plus strand). Cytogenetic location: 4q23.
Variant type: Deletion.
Coding change: c.909+1del on transcript NM_001386140.1 (MANE Select); the canonical splice donor site of the intron after coding-DNA position 909, one base deleted (G; older notation c.909+1delG).
Molecular consequence: splice donor variant.
Genome position (GRCh38, 1-based): chr4:99,594,884, G deleted. VCF-style (leftmost placement, unchanged base first): chr4-99594883-TG-T. GRCh37 (hg19) VCF-style: chr4-100516040-TG-T.
Other names: c.909+1del (NM_000253.4); c.660+1del (NM_001300785.2).
Identifiers: ClinVar variation 2133283 (VCV002133283.4), dbSNP rs2476113679, ClinGen allele CA2580071903.
Genomic context (GRCh38, chr4:99,594,883, plus strand): 5'-GTACACGGCCATTCCCATTGTGGGGCAGGTCTTCCAGAGCCACTGTAAAGGATGTCCTTC[TG>T]TAAGTGCAGACAAATATGGGAATAATCATGACATCAGACTCTGTTTTCATTTTGTCTCCA-3'

ClinVar aggregate classification (germline): Likely pathogenic (1 of 4 stars; one submission).

Submission:

Labcorp Genetics (formerly Invitae), Labcorp
Classification: Likely pathogenic. Last evaluated: 2022-05-03. Review status: criteria provided, single submitter. Criteria: Invitae Variant Classification Sherloc (09022015). Collection method: clinical testing. Allele origin: germline.
Comment: This sequence change affects a splice site in intron 8 of the MTTP gene. It is expected to disrupt RNA splicing. Variants that disrupt the donor or acceptor splice site typically lead to a loss of protein function (PMID: 16199547), and loss-of-function variants in MTTP are known to be pathogenic (PMID: 8533758, 9671739). This variant is not present in population databases (gnomAD no frequency). This variant has not been reported in the literature in individuals affected with MTTP-related conditions. Algorithms developed to predict the effect of sequence changes on RNA splicing suggest that this variant may disrupt the consensus splice site. In summary, the currently available evidence indicates that the variant is pathogenic, but additional data are needed to prove that conclusively. Therefore, this variant has been classified as Likely Pathogenic.

Literature cited by the submitters: PubMed 16199547; PubMed 8533758; PubMed 9671739.